The following is an entry in ClinVar:

NM_001134363.3(RBM20):c.*2229A>G

Gene: RBM20 (RNA binding motif protein 20; plus strand). Cytogenetic location: 10q25.2.
Variant type: single nucleotide variant.
Coding change: c.*2229A>G on transcript NM_001134363.3 (MANE Select); 2229 bases downstream of the stop codon, A replaced by G.
Molecular consequence: 3 prime UTR variant.
Genome position (GRCh38, 1-based): chr10:110,838,207, A>G. VCF-style: chr10-110838207-A-G. GRCh37 (hg19) VCF-style: chr10-112597965-A-G.
Other names: c.*2229A>G (LRG_382t1).
Identifiers: ClinVar variation 298841 (VCV000298841.5), dbSNP rs538388396, ClinGen allele CA10634939.

ClinVar aggregate classification (germline): Likely benign (1 of 4 stars; one submission).

Conditions:
Dilated cardiomyopathy 1DD (CMD1DD). Identifiers: Orphanet 154, MedGen C2750995, MONDO:0013168, OMIM 613172.

Allele frequency attached by ClinVar (database versions not stated): gnomAD 0.00008 and 0.00163; TOPMed 0.00034; 1000 Genomes Project 0.01098; 1000 Genomes Project 30x 0.01171.

Submission:

Illumina Laboratory Services, Illumina
Classification: Likely benign for Dilated cardiomyopathy 1DD. Last evaluated: 2018-01-13. Review status: criteria provided, single submitter. Criteria: ICSL Variant Classification Criteria 13 December 2019. Collection method: clinical testing. Allele origin: germline.
Comment: This variant was observed in the ICSL laboratory as part of a predisposition screen in an ostensibly healthy population. It had not been previously curated by ICSL or reported in the Human Gene Mutation Database (HGMD: prior to June 1st, 2018), and was therefore a candidate for classification through an automated scoring system. Utilizing variant allele frequency, disease prevalence and penetrance estimates, and inheritance mode, an automated score was calculated to assess if this variant is too frequent to cause the disease. Based on the score and internal cut-off values, a variant classified as likely benign is not then subjected to further curation. The score for this variant resulted in a classification of likely benign for this disease.